The following is an entry in ClinVar:

NM_021625.5(TRPV4):c.713-2dup

Gene: TRPV4 (transient receptor potential cation channel subfamily V member 4; minus strand). Cytogenetic location: 12q24.11.
Variant type: Duplication.
Coding change: c.713-2dup on transcript NM_021625.5 (MANE Select); the canonical splice acceptor site of the intron before coding-DNA position 713, one base duplicated (A; older notation c.713-2dupA).
Molecular consequence: splice acceptor variant. On other transcripts: intron variant (2).
Genome position (GRCh38, 1-based): chr12:109,800,760, T duplicated on the plus strand (A on the coding strand, the reverse complement: TRPV4 is on the minus strand). VCF-style (leftmost placement, unchanged base first): chr12-109800759-C-CT. GRCh37 (hg19) VCF-style: chr12-110238564-C-CT.
Other names: c.713-1848dup (NM_001177433.1, NM_001177428.1); c.713-2dup (NM_147204.2); c.611-2dup (NM_001177431.1).
Identifiers: ClinVar variation 871147 (VCV000871147.45), dbSNP rs760776284, ClinGen allele CA6780444.
Genomic context (GRCh38, chr12:109,800,759, plus strand): 5'-CGAGAAGTTCCACGTAGTGTTTGCAGCGACGCTCAATGGCGATGTGCAGGGCTGTCTGAC[C>CT]TGGGGGCAGGGGACGGTCATCCAGGGTCCTGGCGGAGCAGAGACCTAGCCAGGCTTGCTG-3'

ClinVar aggregate classification (germline): Uncertain significance. Review status: criteria provided, multiple submitters, no conflicts (2 of 4 stars). 2 submissions from 2 submitters: Uncertain significance (2). Last evaluated 2024-07-16.

Conditions:
Charcot-Marie-Tooth disease axonal type 2C (HMSN2C). Also called: CHARCOT-MARIE-TOOTH DISEASE, AXONAL, AUTOSOMAL DOMINANT, TYPE 2C; Charcot-Marie-Tooth Neuropathy Type 2C; Charcot-Marie-Tooth Disease Type 2, TRPV4-Related (CMT2C). Identifiers: Orphanet 99937, MedGen C1853710, MONDO:0011633, OMIM 606071.

Allele frequency attached by ClinVar (database versions not stated): gnomAD exomes 0.00001 and below 0.00001; ExAC 0.00001.

Submissions (2):

Labcorp Genetics (formerly Invitae), Labcorp
Classification: Uncertain significance for Charcot-Marie-Tooth disease axonal type 2C. Last evaluated: 2024-07-16. Review status: criteria provided, single submitter. Criteria: Invitae Variant Classification Sherloc (09022015). Collection method: clinical testing. Allele origin: germline.
Comment: This sequence change falls in intron 4 of the TRPV4 gene. It does not directly change the encoded amino acid sequence of the TRPV4 protein. It affects a nucleotide within the consensus splice site. This variant is present in population databases (rs760776284, gnomAD 0.0009%). This variant has not been reported in the literature in individuals affected with TRPV4-related conditions. ClinVar contains an entry for this variant (Variation ID: 871147). Variants that disrupt the consensus splice site are a relatively common cause of aberrant splicing (PMID: 17576681, 9536098). In summary, the available evidence is currently insufficient to determine the role of this variant in disease. Therefore, it has been classified as a Variant of Uncertain Significance.

CeGaT Center for Human Genetics Tuebingen
Classification: Uncertain significance. Last evaluated: 2019-09-01. Review status: criteria provided, single submitter. Criteria: CeGaT Center For Human Genetics Tuebingen Variant Classification Criteria Version 2. Collection method: clinical testing. Allele origin: germline. Affected: yes. Observed: 1 variant allele.

Literature cited by the submitters: PubMed 17576681 (cited by Labcorp Genetics (formerly Invitae), Labcorp); PubMed 9536098 (cited by Labcorp Genetics (formerly Invitae), Labcorp).